The following is an entry in ClinVar:

NM_000278.5(PAX2):c.219C>G (p.Tyr73Ter)

Gene: PAX2 (paired box 2; plus strand). Cytogenetic location: 10q24.31.
Variant type: single nucleotide variant.
Coding change: c.219C>G on transcript NM_000278.5 (MANE Select); coding-DNA position 219, C replaced by G.
Protein change: p.Tyr73Ter; replaces tyrosine 73 with a stop codon.
Molecular consequence: nonsense.
Genome position (GRCh38, 1-based): chr10:100,750,700, C>G. VCF-style: chr10-100750700-C-G. GRCh37 (hg19) VCF-style: chr10-102510457-C-G.
Other names: c.312C>G, p.Tyr104Ter (NM_001304569.2); c.219C>G, p.Tyr73Ter (NM_003987.5, NM_003988.5, NM_003989.5 and 1 more transcripts); c.219C>G (NM_003990.4); short protein forms Y73*, Y104*.
Identifiers: ClinVar variation 562393 (VCV000562393.4), dbSNP rs139724326, ClinGen allele CA378257796.

ClinVar aggregate classification (germline): Pathogenic. Review status: criteria provided, multiple submitters, no conflicts (2 of 4 stars). 3 submissions from 3 submitters: Pathogenic (2). 1 of the submissions does not count toward it. Last evaluated 2023-01-07.

Conditions:
PAX2-Related Disorder. Also called: PAX2-related disorders. Identifiers: MedGen CN381309.
Renal coloboma syndrome (PAPRS). Also called: CONGENITAL ANOMALIES OF THE KIDNEY AND URINARY TRACT WITH OR WITHOUT OCULAR ABNORMALITIES; CAKUT WITH OR WITHOUT OCULAR ABNORMALITIES; COLOBOMA OF OPTIC NERVE WITH RENAL DISEASE; PAPILLORENAL SYNDROME WITH MILD OCULAR ABNORMALITIES; OPTIC COLOBOMA, VESICOURETERAL REFLUX, AND RENAL ANOMALIES; OPTIC NERVE COLOBOMA WITH RENAL DISEASE. Identifiers: Orphanet 1475, MedGen C1852759, MONDO:0007352, OMIM 120330.

Submissions (3):

PreventionGenetics, part of Exact Sciences
Classification: Pathogenic for PAX2-related condition. Last evaluated: 2023-01-07. Review status: criteria provided, single submitter. Criteria: ACMG Guidelines, 2015. Collection method: clinical testing. Allele origin: germline.
Comment: The PAX2 c.219C>G variant is predicted to result in premature protein termination (p.Tyr73*). This variant has been reported to be pathogenic for PAX2-related disorders (Bower et al. 2012. PubMed ID: 22213154; Groopman et al. 2018. PubMed ID: 30586318; Yang et al. 2021. PubMed ID: 34696790). This variant has not been reported in a large population database, indicating this variant is rare. Nonsense variants in PAX2 are expected to be pathogenic. This variant is interpreted as pathogenic.

Blueprint Genetics
Classification: Pathogenic for PAX2-related disorders. Last evaluated: 2019-11-13. Review status: criteria provided, single submitter. Criteria: ACMG Guidelines, 2015. Collection method: clinical testing. Allele origin: germline. Affected: yes. Observed: 1 variant allele.

Gharavi Laboratory, Columbia University
Classification: Pathogenic for Papillorenal syndrome. Last evaluated: 2024-11-05. Review status: no assertion criteria provided. Criteria: ACMG Guidelines, 2015. Collection method: case-control. Allele origin: germline. Affected: yes. Not counted in ClinVar's aggregate classification.